The following is an entry in ClinVar:

NM_000492.4(CFTR):c.2896A>C (p.Thr966Pro)

Gene: CFTR (CF transmembrane conductance regulator; plus strand). Cytogenetic location: 7q31.2.
Variant type: single nucleotide variant.
Coding change: c.2896A>C on transcript NM_000492.4 (MANE Select); coding-DNA position 2896, A replaced by C.
Protein change: p.Thr966Pro; replaces threonine 966 with proline.
Molecular consequence: missense variant.
Genome position (GRCh38, 1-based): chr7:117,603,770, A>C. VCF-style: chr7-117603770-A-C. GRCh37 (hg19) VCF-style: chr7-117243824-A-C.
Other names: short protein forms T966P.
Identifiers: ClinVar variation 3231872 (VCV003231872.1), dbSNP rs2485122469, ClinGen allele CA368987600.

ClinVar aggregate classification (germline): Uncertain significance (1 of 4 stars; one submission).

Conditions:
Cystic fibrosis (CF). Also called: MUCOVISCIDOSIS. Identifiers: Orphanet 586, MedGen C0010674, MONDO:0009061, OMIM 219700. Disease mechanism: loss of function.

Allele frequency attached by ClinVar (database versions not stated): gnomAD exomes below 0.00001.
gnomAD v4.1: 1 of 1,613,870 alleles (0.000062%); no homozygotes.

Submission:

Ambry Genetics
Classification: Uncertain significance for Cystic fibrosis. Last evaluated: 2023-10-15. Review status: criteria provided, single submitter. Criteria: Ambry Variant Classification Scheme 2023. Collection method: clinical testing. Allele origin: germline.
Comment: The p.T966P variant (also known as c.2896A>C), located in coding exon 17 of the CFTR gene, results from an A to C substitution at nucleotide position 2896. The threonine at codon 966 is replaced by proline, an amino acid with highly similar properties. This amino acid position is conserved. In addition, the in silico prediction for this alteration is inconclusive. Since supporting evidence is limited at this time, the clinical significance of this alteration remains unclear.